The following is an entry in ClinVar:

NM_006180.6(NTRK2):c.569A>G (p.Gln190Arg)

Gene: NTRK2 (neurotrophic receptor tyrosine kinase 2; plus strand). Cytogenetic location: 9q21.33.
Variant type: single nucleotide variant.
Coding change: c.569A>G on transcript NM_006180.6 (MANE Select); coding-DNA position 569, A replaced by G.
Protein change: p.Gln190Arg; replaces glutamine 190 with arginine.
Molecular consequence: missense variant.
Genome position (GRCh38, 1-based): chr9:84,710,777, A>G. VCF-style: chr9-84710777-A-G. GRCh37 (hg19) VCF-style: chr9-87325692-A-G.
Other names: c.569A>G, p.Gln190Arg (NM_001369538.1, NM_001369539.1, NM_001369540.1 and 18 more transcripts); c.101A>G, p.Gln34Arg (NM_001369535.1, NM_001369536.1, NM_001369550.1 and 2 more transcripts); short protein forms Q190R, Q34R.
Identifiers: ClinVar variation 5041565 (VCV005041565.1).

ClinVar aggregate classification (germline): Uncertain significance (1 of 4 stars; one submission).

Submission:

CeGaT Center for Human Genetics Tuebingen
Classification: Uncertain significance. Last evaluated: 2026-09-01. Review status: criteria provided, single submitter. Criteria: CeGaT Center For Human Genetics Tuebingen Variant Classification Criteria Version 2. Collection method: clinical testing. Allele origin: germline. Affected: yes. Observed: 1 variant allele.
Comment: NTRK2: PM2, BP4